The following is an entry in ClinVar:

NM_006939.4(SOS2):c.1852+2T>C

Gene: SOS2 (SOS Ras/Rho guanine nucleotide exchange factor 2; minus strand). Cytogenetic location: 14q21.3.
Variant type: single nucleotide variant.
Coding change: c.1852+2T>C on transcript NM_006939.4 (MANE Select); the canonical splice donor site of the intron after coding-DNA position 1852, T replaced by C.
Molecular consequence: splice donor variant.
Genome position (GRCh38, 1-based): chr14:50,159,429, A>G on the plus strand (T>C on the coding strand, the complement: SOS2 is on the minus strand). VCF-style: chr14-50159429-A-G. GRCh37 (hg19) VCF-style: chr14-50626147-A-G.
Other names: c.1753+2T>C (NM_001411020.1).
Identifiers: ClinVar variation 2082961 (VCV002082961.4), dbSNP rs1884927641, ClinGen allele CA389644815.

ClinVar aggregate classification (germline): Uncertain significance (1 of 4 stars; one submission).

Conditions:
Noonan syndrome 9 (NS9). Identifiers: Orphanet 648, MedGen C4225282, MONDO:0014691, OMIM 616559.

Submission:

Labcorp Genetics (formerly Invitae), Labcorp
Classification: Uncertain significance for Noonan syndrome 9. Last evaluated: 2021-12-13. Review status: criteria provided, single submitter. Criteria: Invitae Variant Classification Sherloc (09022015). Collection method: clinical testing. Allele origin: germline.
Comment: In summary, the available evidence is currently insufficient to determine the role of this variant in disease. Therefore, it has been classified as a Variant of Uncertain Significance. Algorithms developed to predict the effect of sequence changes on RNA splicing suggest that this variant may disrupt the consensus splice site. This variant has not been reported in the literature in individuals affected with SOS2-related conditions. This variant is not present in population databases (gnomAD no frequency). This sequence change affects a donor splice site in intron 10 of the SOS2 gene. It is expected to disrupt RNA splicing. Variants that disrupt the donor or acceptor splice site typically lead to a loss of protein function (PMID: 16199547), however the current clinical and genetic evidence is not sufficient to establish whether loss-of-function variants in SOS2 cause disease.

Literature cited by the submitters: PubMed 16199547.